The following is an entry in ClinVar:

NM_133510.4(RAD51B):c.758T>C (p.Val253Ala)

Gene: RAD51B (RAD51 paralog B; plus strand). Cytogenetic location: 14q24.1.
Variant type: single nucleotide variant.
Coding change: c.758T>C on transcript NM_133510.4 (MANE Select); coding-DNA position 758, T replaced by C.
Protein change: p.Val253Ala; replaces valine 253 with alanine.
Molecular consequence: missense variant.
Genome position (GRCh38, 1-based): chr14:68,291,885, T>C. VCF-style: chr14-68291885-T-C. GRCh37 (hg19) VCF-style: chr14-68758602-T-C.
Other names: c.758T>C, p.Val253Ala (NM_001321809.2, NM_001321810.2, NM_001321812.1 and 6 more transcripts); c.644T>C, p.Val215Ala (NM_001321815.1); c.401T>C, p.Val134Ala (NM_001321817.2); short protein forms V215A, V134A, V253A.
Identifiers: ClinVar variation 4149833 (VCV004149833.1).
Genomic context (GRCh38, chr14:68,291,885, plus strand): 5'-TGGTCTTCCCTGTCTTTCTTCTCCCTTGCCCCCTACCCCTTCTCCCTGTCTGTTCACAGG[T>C]TATCTTGACGAATCAGATTACAACCCATCTGAGTGGAGCCCTGGCTTCTCAGGCAGACCT-3'
Protein context (NP_598194.1, residues 243-263): KYLAEEFSIP[Val253Ala]ILTNQITTHL

ClinVar aggregate classification (germline): Uncertain significance (1 of 4 stars; one submission).

Submission:

Ambry Genetics
Classification: Uncertain significance. Last evaluated: 2025-07-25. Review status: criteria provided, single submitter. Criteria: Ambry Variant Classification Scheme 2023. Collection method: clinical testing. Allele origin: germline.
Comment: The p.V253A variant (also known as c.758T>C), located in coding exon 7 of the RAD51B gene, results from a T to C substitution at nucleotide position 758. The valine at codon 253 is replaced by alanine, an amino acid with similar properties. This amino acid position is conserved. In addition, the in silico prediction for this alteration is inconclusive. Based on the available evidence, the clinical significance of this variant remains unclear.